The following is an entry in ClinVar:

ClinVar aggregate classification (germline): Uncertain significance. Review status: criteria provided, multiple submitters, no conflicts (2 of 4 stars). 5 submissions from 5 submitters: Uncertain significance (5). Last evaluated 2025-10-28.

Conditions:
TUB-related disorder. Also called: TUB-related condition.
Retinal dystrophy and obesity (RDOB). Identifiers: Orphanet 791, MedGen C4015424, MONDO:0014522, OMIM 616188.

Allele frequency attached by ClinVar (database versions not stated): gnomAD 0.00002 and 0.00003; gnomAD exomes 0.00005 and 0.00007; TOPMed 0.00006; ExAC 0.00007; ESP Exome Variant Server 0.00008; 1000 Genomes Project 0.00040; 1000 Genomes Project 30x 0.00047.
gnomAD v4.1: 72 of 1,613,846 alleles (0.0045%); highest among the groups gnomAD compares: Middle Eastern, 0.017%; no homozygotes.

Submissions (5):

PreventionGenetics, part of Exact Sciences
Classification: Uncertain significance for TUB-related condition. Last evaluated: 2025-10-28. Review status: criteria provided, single submitter. Criteria: ACMG Guidelines, 2015. Collection method: clinical testing. Allele origin: germline.
Comment: The TUB c.1375C>T variant is predicted to result in the amino acid substitution p.Arg459Cys. To our knowledge, this variant has not been reported in the literature. This variant is reported in 0.020% of alleles in individuals of Latino descent in gnomAD. At this time, the clinical significance of this variant is uncertain due to the absence of conclusive functional and genetic evidence.

Blueprint Genetics
Classification: Uncertain significance. Last evaluated: 2022-10-20. Review status: criteria provided, single submitter. Criteria: ACMG Guidelines, 2015. Collection method: clinical testing. Allele origin: germline.

Labcorp Genetics (formerly Invitae), Labcorp
Classification: Uncertain significance. Last evaluated: 2022-07-15. Review status: criteria provided, single submitter. Criteria: Invitae Variant Classification Sherloc (09022015). Collection method: clinical testing. Allele origin: germline.
Comment: Algorithms developed to predict the effect of missense changes on protein structure and function are either unavailable or do not agree on the potential impact of this missense change (SIFT: "Tolerated"; PolyPhen-2: "Probably Damaging"; Align-GVGD: "Class C0"). In summary, the available evidence is currently insufficient to determine the role of this variant in disease. Therefore, it has been classified as a Variant of Uncertain Significance. ClinVar contains an entry for this variant (Variation ID: 956724). This variant has not been reported in the literature in individuals affected with TUB-related conditions. This variant is present in population databases (rs139170512, gnomAD 0.02%). This sequence change replaces arginine, which is basic and polar, with cysteine, which is neutral and slightly polar, at codon 459 of the TUB protein (p.Arg459Cys).

New York Genome Center
Classification: Uncertain significance for Retinal dystrophy and obesity. Last evaluated: 2022-03-09. Review status: criteria provided, single submitter. Criteria: NYGC Assertion Criteria 2020. Collection method: clinical testing. Allele origin: germline. Observed: 1 heterozygote.

Breakthrough Genomics
Classification: Uncertain significance. Review status: criteria provided, single submitter. Criteria: ACMG Guidelines, 2015. Collection method: not provided. Allele origin: germline. Inheritance: Autosomal recessive inheritance. Affected: yes.

NM_177972.3(TUB):c.1210C>T (p.Arg404Cys)

Genes: RIC3 (RIC3 acetylcholine receptor chaperone; minus strand), TUB (TUB bipartite transcription factor; plus strand). Cytogenetic location: 11p15.4.
Variant type: single nucleotide variant.
Coding change: c.1210C>T on transcript NM_177972.3 (MANE Select); coding-DNA position 1210, C replaced by T.
Protein change: p.Arg404Cys; replaces arginine 404 with cysteine.
Molecular consequence: missense variant.
Genome position (GRCh38, 1-based): chr11:8,100,596, C>T. VCF-style: chr11-8100596-C-T. GRCh37 (hg19) VCF-style: chr11-8122143-C-T.
Other names: c.1210C>T (NM_177972.2); c.1375C>T, p.Arg459Cys (NM_003320.5); short protein forms R404C, R459C.
Identifiers: ClinVar variation 956724 (VCV000956724.13), dbSNP rs139170512, ClinGen allele CA5871398.